The following is an entry in ClinVar:

NM_001330078.2(NRXN1):c.3004A>C (p.Thr1002Pro)

Gene: NRXN1 (neurexin 1; minus strand). Cytogenetic location: 2p16.3.
Variant type: single nucleotide variant.
Coding change: c.3004A>C on transcript NM_001330078.2 (MANE Select); coding-DNA position 3004, A replaced by C.
Protein change: p.Thr1002Pro; replaces threonine 1002 with proline.
Molecular consequence: missense variant.
Genome position (GRCh38, 1-based): chr2:50,495,971, T>G on the plus strand (A>C on the coding strand, the complement: NRXN1 is on the minus strand). VCF-style: chr2-50495971-T-G. GRCh37 (hg19) VCF-style: chr2-50723109-T-G.
Other names: c.3124A>C, p.Thr1042Pro (NM_001135659.3); c.2980A>C, p.Thr994Pro (NM_001330077.2, NM_001330082.2); c.2938A>C, p.Thr980Pro (NM_001330083.2, NM_001330084.2); c.2977A>C, p.Thr993Pro (NM_001330085.2); c.3004A>C, p.Thr1002Pro (NM_001330086.2, NM_004801.6); c.2893A>C, p.Thr965Pro (NM_001330087.2, NM_001330096.2); c.2923A>C, p.Thr975Pro (NM_001330088.2); c.3001A>C, p.Thr1001Pro (NM_001330093.2); and 2 more; short protein forms T1001P, T1002P, T1042P, T965P, T975P, T980P, T985P, T993P.
Identifiers: ClinVar variation 1010497 (VCV001010497.9), dbSNP rs746040921, ClinGen allele CA346776372.

ClinVar aggregate classification (germline): Uncertain significance (1 of 4 stars; one submission).

Conditions:
Pitt-Hopkins-like syndrome 2 (PTHSL2). Identifiers: Orphanet 221150, Orphanet 600663, MedGen C3280479, MONDO:0013690, OMIM 614325.

Submission:

Labcorp Genetics (formerly Invitae), Labcorp
Classification: Uncertain significance for Pitt-Hopkins-like syndrome 2. Last evaluated: 2020-01-16. Review status: criteria provided, single submitter. Criteria: Invitae Variant Classification Sherloc (09022015). Collection method: clinical testing. Allele origin: germline.
Comment: This sequence change replaces threonine with proline at codon 1042 of the NRXN1 protein (p.Thr1042Pro). The threonine residue is highly conserved and there is a small physicochemical difference between threonine and proline. This variant is not present in population databases (ExAC no frequency). This variant has not been reported in the literature in individuals with NRXN1-related conditions. Algorithms developed to predict the effect of missense changes on protein structure and function are either unavailable or do not agree on the potential impact of this missense change (SIFT: "Deleterious"; PolyPhen-2: "Probably Damaging"; Align-GVGD: "Class C0"). In summary, the available evidence is currently insufficient to determine the role of this variant in disease. Therefore, it has been classified as a Variant of Uncertain Significance.